The following is an entry in ClinVar:

NM_004360.5(CDH1):c.2245C>G (p.Arg749Gly)

Gene: CDH1 (cadherin 1; plus strand). Cytogenetic location: 16q22.1.
Variant type: single nucleotide variant.
Coding change: c.2245C>G on transcript NM_004360.5 (MANE Select); coding-DNA position 2245, C replaced by G.
Protein change: p.Arg749Gly; replaces arginine 749 with glycine.
Molecular consequence: missense variant.
Genome position (GRCh38, 1-based): chr16:68,828,254, C>G. VCF-style: chr16-68828254-C-G. GRCh37 (hg19) VCF-style: chr16-68862157-C-G.
Other names: c.280C>G, p.Arg94Gly (NM_001317186.2); c.2062C>G, p.Arg688Gly (NM_001317184.2); c.697C>G, p.Arg233Gly (NM_001317185.2); short protein forms R688G, R749G, R233G, R94G.
Identifiers: ClinVar variation 2089715 (VCV002089715.4), dbSNP rs776975632, ClinGen allele CA396469803.

ClinVar aggregate classification (germline): Uncertain significance (1 of 4 stars; one submission).

Conditions:
Hereditary diffuse gastric adenocarcinoma (HDGC). Also called: DIFFUSE GASTRIC AND LOBULAR BREAST CANCER SYNDROME. Identifiers: Orphanet 26106, MedGen C1708349, MONDO:0007648, OMIM 137215.

Submission:

Labcorp Genetics (formerly Invitae), Labcorp
Classification: Uncertain significance for Hereditary diffuse gastric adenocarcinoma. Last evaluated: 2022-01-26. Review status: criteria provided, single submitter. Criteria: Invitae Variant Classification Sherloc (09022015). Collection method: clinical testing. Allele origin: germline.
Comment: In summary, the available evidence is currently insufficient to determine the role of this variant in disease. Therefore, it has been classified as a Variant of Uncertain Significance. Algorithms developed to predict the effect of missense changes on protein structure and function (SIFT, PolyPhen-2, Align-GVGD) all suggest that this variant is likely to be disruptive. This variant has not been reported in the literature in individuals affected with CDH1-related conditions. This variant is not present in population databases (gnomAD no frequency). This sequence change replaces arginine, which is basic and polar, with glycine, which is neutral and non-polar, at codon 749 of the CDH1 protein (p.Arg749Gly).